The following is an entry in ClinVar:

ClinVar aggregate classification (germline): Likely pathogenic (0 of 4 stars; one submission).

Conditions:
KIF1A-related disorder. Also called: KIF1A-related disorders; KIF1A-related condition.

Allele frequency attached by ClinVar (database versions not stated): gnomAD exomes below 0.00001.
gnomAD v4.1: 1 of 1,590,164 alleles (0.000063%); highest among the groups gnomAD compares: Non-Finnish European, 0.000086%; no homozygotes.

Submission:

PreventionGenetics, part of Exact Sciences
Classification: Likely pathogenic for KIF1A-related condition. Last evaluated: 2023-12-12. Review status: no assertion criteria provided. Collection method: clinical testing. Allele origin: germline.
Comment: The KIF1A c.3875G>A variant is predicted to result in premature protein termination (p.Trp1292*). To our knowledge, this variant has not been reported in the literature or in a large population database, indicating this variant is rare. Nonsense variants in KIF1A are expected to be pathogenic. This variant is interpreted as likely pathogenic.

NM_001244008.2(KIF1A):c.3875G>A (p.Trp1292Ter)

Genes: KIF1A (kinesin family member 1A; minus strand), LOC126806583 (P300/CBP strongly-dependent group 1 enhancer GRCh37_chr2:241678910-241680109; plus strand). Cytogenetic location: 2q37.3.
Variant type: single nucleotide variant.
Coding change: c.3875G>A on transcript NM_001244008.2 (MANE Select); coding-DNA position 3875, G replaced by A.
Protein change: p.Trp1292Ter; replaces tryptophan 1292 with a stop codon.
Molecular consequence: nonsense.
Genome position (GRCh38, 1-based): chr2:240,740,084, C>T on the plus strand (G>A on the coding strand, the complement: KIF1A is on the minus strand). VCF-style: chr2-240740084-C-T. GRCh37 (hg19) VCF-style: chr2-241679501-C-T.
Other names: c.3599G>A, p.Trp1200Ter (NM_001320705.2, NM_001330289.2, NM_001379638.1); c.3674G>A, p.Trp1225Ter (NM_001330290.2, NM_001379634.1, NM_001379635.1 and 1 more transcripts); c.3950G>A, p.Trp1317Ter (NM_001379631.1); c.3824G>A, p.Trp1275Ter (NM_001379632.1); c.3848G>A, p.Trp1283Ter (NM_001379633.1, NM_001379642.1, NM_001379645.1); c.3572G>A, p.Trp1191Ter (NM_001379636.1, NM_001379639.1, NM_001379641.1 and 6 more transcripts); c.3647G>A, p.Trp1216Ter (NM_001379637.1, NM_001379648.1); c.3569G>A, p.Trp1190Ter (NM_001379640.1); short protein forms W1190*, W1191*, W1200*, W1216*, W1225*, W1275*, W1283*, W1292*.
Identifiers: ClinVar variation 3057050 (VCV003057050.2), dbSNP rs2537142167, ClinGen allele CA351314273.
Genomic context (GRCh38, chr2:240,740,084, plus strand): 5'-CCACCCACCAAGGCAGCCCCCACACCGCACTCACCCACGACCAGCTCGCGCACTTCCTTC[C>T]AGCGGATATGGCTGCCTGTCTCATGCAGTAGTGTCACCGTAATCCGTCGCTGGATGCCCT-3'